The following is an entry in ClinVar:

ClinVar aggregate classification (germline): Uncertain significance (1 of 4 stars; one submission).

Allele frequency attached by ClinVar (database versions not stated): gnomAD exomes below 0.00001; gnomAD 0.00001.
gnomAD v4.1: 2 of 1,614,048 alleles (0.00012%); highest among the groups gnomAD compares: Admixed American, 0.0033%; no homozygotes.

Submission:

Labcorp Genetics (formerly Invitae), Labcorp
Classification: Uncertain significance. Last evaluated: 2022-06-13. Review status: criteria provided, single submitter. Criteria: Invitae Variant Classification Sherloc (09022015). Collection method: clinical testing. Allele origin: germline.
Comment: In summary, the available evidence is currently insufficient to determine the role of this variant in disease. Therefore, it has been classified as a Variant of Uncertain Significance. Algorithms developed to predict the effect of missense changes on protein structure and function are either unavailable or do not agree on the potential impact of this missense change (SIFT: "Deleterious"; PolyPhen-2: "Possibly Damaging"; Align-GVGD: "Class C0"). This variant has not been reported in the literature in individuals affected with DMXL2-related conditions. This variant is not present in population databases (gnomAD no frequency). This sequence change replaces glutamic acid, which is acidic and polar, with aspartic acid, which is acidic and polar, at codon 2984 of the DMXL2 protein (p.Glu2984Asp).

NM_001378457.1(DMXL2):c.9015A>C (p.Glu3005Asp)

Gene: DMXL2 (Dmx like 2; minus strand). Cytogenetic location: 15q21.2.
Variant type: single nucleotide variant.
Coding change: c.9015A>C on transcript NM_001378457.1 (MANE Select); coding-DNA position 9015, A replaced by C.
Protein change: p.Glu3005Asp; replaces glutamic acid 3005 with aspartic acid.
Molecular consequence: missense variant. On other transcripts: non-coding transcript variant (2).
Genome position (GRCh38, 1-based): chr15:51,449,146, T>G on the plus strand (A>C on the coding strand, the complement: DMXL2 is on the minus strand). VCF-style: chr15-51449146-T-G. GRCh37 (hg19) VCF-style: chr15-51741343-T-G.
Other names: c.8952A>C, p.Glu2984Asp (NM_001174116.3); c.7041A>C, p.Glu2347Asp (NM_001174117.3); c.9012A>C, p.Glu3004Asp (NM_001378458.1); c.8727A>C, p.Glu2909Asp (NM_001378459.1); c.6930A>C, p.Glu2310Asp (NM_001378460.1); c.8949A>C, p.Glu2983Asp (NM_015263.5); short protein forms E2909D, E2983D, E2984D, E3004D, E3005D, E2310D, E2347D.
Identifiers: ClinVar variation 1941517 (VCV001941517.3), dbSNP rs2038912637, ClinGen allele CA392429038.